The following is an entry in ClinVar:

ClinVar aggregate classification (germline): Uncertain significance (1 of 4 stars; one submission).

Conditions:
Hereditary breast ovarian cancer syndrome. Also called: BRCA1- and BRCA2-Associated Hereditary Breast and Ovarian Cancer; Breast and ovarian cancer; Hereditary breast and ovarian cancer; Hereditary breast and ovarian cancer syndrome (HBOC); Hereditary breast and ovarian cancer syndrome; Hereditary breast and/or ovarian cancer syndrome. Identifiers: Orphanet 145, MedGen C0677776, MeSH D061325, MONDO:0003582. Disease mechanism: loss of function.

Submission:

Labcorp Genetics (formerly Invitae), Labcorp
Classification: Uncertain significance for Hereditary breast ovarian cancer syndrome. Last evaluated: 2025-12-02. Review status: criteria provided, single submitter. Criteria: Invitae Variant Classification Sherloc (09022015). Collection method: clinical testing. Allele origin: germline.
Comment: This sequence change creates a premature translational stop signal (p.Ala194Glnfs*40) in the BRCA1 gene. Loss-of-function variants in BRCA1 are expected to be pathogenic (PMID: 20104584). However, an in-frame BRCA1 isoform lacking exons 8 and 9 (also known as exons 9 and 10) is highly expressed in blood from unaffected individuals and in normal breast tissue; this isoform may retain protein function and could functionally rescue loss-of-function variants within exons 8-9 (PMID: 24569164). This variant is not present in population databases (gnomAD no frequency). This variant has not been reported in the literature in individuals affected with BRCA1-related conditions. In summary, the available evidence is currently insufficient to determine the role of this variant in disease. Therefore, it has been classified as a Variant of Uncertain Significance.

Literature cited by the submitters: PubMed 20104584; PubMed 24569164.

NM_007294.4(BRCA1):c.580del (p.Ala194fs)

Gene: BRCA1 (BRCA1 DNA repair associated; minus strand). Cytogenetic location: 17q21.31.
Variant type: Deletion.
Coding change: c.580del on transcript NM_007294.4 (MANE Select); coding-DNA position 580, one base deleted (G; older notation c.580delG).
Protein change: p.Ala194fs; shifts the reading frame from alanine 194.
Molecular consequence: frameshift variant. On other transcripts: intron variant (115).
Genome position (GRCh38, 1-based): chr17:43,097,257, C deleted on the plus strand (G on the coding strand, the reverse complement: BRCA1 is on the minus strand); the first of 2 consecutive C bases (chr17:43,097,257-43,097,258); deleting either gives the same sequence. VCF-style (leftmost placement, unchanged base first): chr17-43097256-GC-G. GRCh37 (hg19) VCF-style: chr17-41249273-GC-G.
Other names: c.580del, p.Ala194fs (NM_001407684.1, NM_001407616.1, NM_001407617.1 and 58 more transcripts); c.439del, p.Ala147fs (NM_001407692.1, NM_001407694.1, NM_001407695.1 and 43 more transcripts); c.577del, p.Ala193fs (NM_001407627.1, NM_001407628.1, NM_001407629.1 and 41 more transcripts); c.436del, p.Ala146fs (NM_001407740.1, NM_001407741.1, NM_001407742.1 and 26 more transcripts); c.367del, p.Ala123fs (NM_001407571.1, NM_001407853.1, NM_001408490.1 and 12 more transcripts); c.571del, p.Ala191fs (NM_001407646.1, NM_001407647.1, NM_001408408.1); c.502del, p.Ala168fs (NM_001407653.1, NM_001407654.1, NM_001407655.1 and 9 more transcripts); c.499del, p.Ala167fs (NM_001407659.1, NM_001407660.1, NM_001407661.1 and 3 more transcripts); and 17 more; short protein forms A194fs, A123fs, A124fs, A167fs, A168fs, A193fs, A67fs, A146fs.
Identifiers: ClinVar variation 4732390 (VCV004732390.1).